The following is an entry in ClinVar:

ClinVar aggregate classification (germline): Uncertain significance (1 of 4 stars; one submission).

Conditions:
Epileptic encephalopathy. Identifiers: MedGen C0543888, HP:0200134.

gnomAD v4.1: 19 of 1,564,366 alleles (0.0012%); highest among the groups gnomAD compares: Non-Finnish European, 0.0016%; no homozygotes.

Submission:

Labcorp Genetics (formerly Invitae), Labcorp
Classification: Uncertain significance for Epileptic encephalopathy. Last evaluated: 2021-01-08. Review status: criteria provided, single submitter. Criteria: Invitae Variant Classification Sherloc (09022015). Collection method: clinical testing. Allele origin: germline.
Comment: This sequence change replaces proline with arginine at codon 1277 of the FASN protein (p.Pro1277Arg). The proline residue is weakly conserved and there is a moderate physicochemical difference between proline and arginine. The frequency data for this variant in the population databases is considered unreliable, as metrics indicate insufficient coverage at this position in the ExAC database. This variant has not been reported in the literature in individuals with FASN-related conditions. Algorithms developed to predict the effect of missense changes on protein structure and function are either unavailable or do not agree on the potential impact of this missense change (SIFT: "Tolerated"; PolyPhen-2: "Possibly Damaging"; Align-GVGD: "Class C0"). In summary, the available evidence is currently insufficient to determine the role of this variant in disease. Therefore, it has been classified as a Variant of Uncertain Significance.

NM_004104.5(FASN):c.3830C>G (p.Pro1277Arg)

Gene: FASN (fatty acid synthase; minus strand). Cytogenetic location: 17q25.3.
Variant type: single nucleotide variant.
Coding change: c.3830C>G on transcript NM_004104.5 (MANE Select); coding-DNA position 3830, C replaced by G.
Protein change: p.Pro1277Arg; replaces proline 1277 with arginine.
Molecular consequence: missense variant.
Genome position (GRCh38, 1-based): chr17:82,085,774, G>C on the plus strand (C>G on the coding strand, the complement: FASN is on the minus strand). VCF-style: chr17-82085774-G-C. GRCh37 (hg19) VCF-style: chr17-80043650-G-C.
Other names: short protein forms P1277R.
Identifiers: ClinVar variation 1515187 (VCV001515187.8), dbSNP rs763270424, ClinGen allele CA401550079.